The following is an entry in ClinVar:

NM_000492.4(CFTR):c.167A>G (p.Glu56Gly)

Genes: CFTR (CF transmembrane conductance regulator; plus strand), LOC113664106 (CFTR intron 2 DNase I hypersensitive site; plus strand). Cytogenetic location: 7q31.2.
Variant type: single nucleotide variant.
Coding change: c.167A>G on transcript NM_000492.4 (MANE Select); coding-DNA position 167, A replaced by G.
Protein change: p.Glu56Gly; replaces glutamic acid 56 with glycine.
Molecular consequence: missense variant.
Genome position (GRCh38, 1-based): chr7:117,509,036, A>G. VCF-style: chr7-117509036-A-G. GRCh37 (hg19) VCF-style: chr7-117149090-A-G.
Other names: short protein forms E56G.
Identifiers: ClinVar variation 549932 (VCV000549932.4), dbSNP rs1554376387, ClinGen allele CA368972108.

ClinVar aggregate classification (germline): Uncertain significance. Review status: criteria provided, single submitter (1 of 4 stars). 2 submissions from 2 submitters: Uncertain significance (1). 1 of the submissions does not count toward it. Last evaluated 2025-11-04.

Conditions:
Cystic fibrosis (CF). Also called: MUCOVISCIDOSIS. Identifiers: Orphanet 586, MedGen C0010674, MONDO:0009061, OMIM 219700. Disease mechanism: loss of function.

Submissions (2):

Women's Health and Genetics/Laboratory Corporation of America, LabCorp
Classification: Uncertain significance. Last evaluated: 2025-11-04. Review status: criteria provided, single submitter. Criteria: LabCorp Variant Classification Summary - May 2015. Collection method: clinical testing. Allele origin: germline.
Comment: Variant summary: CFTR c.167A>G (p.Glu56Gly) results in a non-conservative amino acid change in the encoded protein sequence. Five of five in-silico tools predict a damaging effect of the variant on protein function. Consensus agreement among computation tools predict no significant impact on normal splicing. However, these predictions have yet to be confirmed by functional studies. The variant was absent in 250754 control chromosomes. c.167A>G has been observed in the compound heterozygous state with F508del in at least 1 individual(s) affected with congenital bilateral absence of the vas deferens (example, Lucarelli_2015). These data do not allow any conclusion about variant significance. A different variant at the same codon has been classified as likely pathogenic/pathogenic at Labcorp (c.166G>A, p.Glu56Lys), supporting the clinical relevance of codon 56 for CFTR function. To our knowledge, no experimental evidence demonstrating an impact on protein function has been reported. The following publication has been ascertained in the context of this evaluation (PMID: 25910067). ClinVar contains an entry for this variant (Variation ID: 549932). Based on the evidence outlined above, the variant was classified as VUS-possibly pathogenic.

Counsyl
Classification: Uncertain significance for Cystic fibrosis. Last evaluated: 2017-01-10. Review status: no assertion criteria provided. Collection method: clinical testing. Allele origin: unknown. Not counted in ClinVar's aggregate classification.

Literature cited by the submitters: PubMed 25910067 (cited by Women's Health and Genetics/Laboratory Corporation of America, LabCorp).